The following is an entry in ClinVar:

ClinVar aggregate classification (germline): Pathogenic (1 of 4 stars; one submission).

Conditions:
Ellis-van Creveld syndrome (EVC). Also called: EVC-Related Ellis-van Creveld Syndrome; EVC2-Related Ellis-van Creveld Syndrome; MESOECTODERMAL DYSPLASIA; Chondroectodermal dysplasia. Identifiers: Orphanet 289, MedGen C0013903, MONDO:0009162, OMIM 225500.
Curry-Hall syndrome (WAD). Also called: WEYERS ACRODENTAL DYSOSTOSIS. Identifiers: Orphanet 952, MedGen C0457013, MONDO:0008673, OMIM 193530.

Submission:

Labcorp Genetics (formerly Invitae), Labcorp
Classification: Pathogenic for Curry-Hall syndrome; Ellis-van Creveld syndrome. Last evaluated: 2021-08-12. Review status: criteria provided, single submitter. Criteria: Invitae Variant Classification Sherloc (09022015). Collection method: clinical testing. Allele origin: germline.
Comment: For these reasons, this variant has been classified as Pathogenic. This variant has not been reported in the literature in individuals affected with EVC2-related conditions. This variant is not present in population databases (ExAC no frequency). This sequence change creates a premature translational stop signal (p.Ser842Argfs*6) in the EVC2 gene. It is expected to result in an absent or disrupted protein product. Loss-of-function variants in EVC2 are known to be pathogenic (PMID: 17024374, 19810119, 19876929).

Literature cited by the submitters: PubMed 17024374; PubMed 19810119; PubMed 19876929.

NM_147127.5(EVC2):c.2524_2536del (p.Ser842fs)

Gene: EVC2 (EvC ciliary complex subunit 2; minus strand). Cytogenetic location: 4p16.2.
Variant type: Deletion.
Coding change: c.2524_2536del on transcript NM_147127.5 (MANE Select); coding-DNA positions 2524 to 2536, 13 bases deleted (TCCCTGTCTGAAG).
Protein change: p.Ser842fs; shifts the reading frame from serine 842.
Molecular consequence: frameshift variant.
Genome position (GRCh38, 1-based): chr4:5,618,648-5,618,660, CTTCAGACAGGGA deleted on the plus strand (TCCCTGTCTGAAG on the coding strand, the reverse complement: EVC2 is on the minus strand). VCF-style (leftmost placement, unchanged base first): chr4-5618647-TCTTCAGACAGGGA-T. GRCh37 (hg19) VCF-style: chr4-5620374-TCTTCAGACAGGGA-T.
Other names: c.2284_2296del, p.Ser762fs (NM_001166136.2); short protein forms S762fs, S842fs.
Identifiers: ClinVar variation 1454164 (VCV001454164.7), dbSNP rs2108833500, ClinGen allele CA2573138250.